The following is an entry in ClinVar:

ClinVar aggregate classification (germline): Uncertain significance (1 of 4 stars; one submission).

Allele frequency attached by ClinVar (database versions not stated): gnomAD exomes 0.00001; ExAC 0.00002.
gnomAD v4.1: 6 of 1,613,714 alleles (0.00037%); highest among the groups gnomAD compares: Non-Finnish European, 0.00042%; no homozygotes.

Submission:

Labcorp Genetics (formerly Invitae), Labcorp
Classification: Uncertain significance. Last evaluated: 2022-06-25. Review status: criteria provided, single submitter. Criteria: Invitae Variant Classification Sherloc (09022015). Collection method: clinical testing. Allele origin: germline.
Comment: This sequence change replaces phenylalanine, which is neutral and non-polar, with tyrosine, which is neutral and polar, at codon 2296 of the USH2A protein (p.Phe2296Tyr). This variant is present in population databases (rs758749326, gnomAD 0.002%). This variant has not been reported in the literature in individuals affected with USH2A-related conditions. Algorithms developed to predict the effect of missense changes on protein structure and function (SIFT, PolyPhen-2, Align-GVGD) all suggest that this variant is likely to be tolerated. In summary, the available evidence is currently insufficient to determine the role of this variant in disease. Therefore, it has been classified as a Variant of Uncertain Significance.

NM_206933.4(USH2A):c.6887T>A (p.Phe2296Tyr)

Gene: USH2A (usherin; minus strand). Cytogenetic location: 1q41.
Variant type: single nucleotide variant.
Coding change: c.6887T>A on transcript NM_206933.4 (MANE Select); coding-DNA position 6887, T replaced by A.
Protein change: p.Phe2296Tyr; replaces phenylalanine 2296 with tyrosine.
Molecular consequence: missense variant.
Genome position (GRCh38, 1-based): chr1:215,970,695, A>T on the plus strand (T>A on the coding strand, the complement: USH2A is on the minus strand). VCF-style: chr1-215970695-A-T. GRCh37 (hg19) VCF-style: chr1-216144037-A-T.
Other names: short protein forms F2296Y.
Identifiers: ClinVar variation 1930565 (VCV001930565.2), dbSNP rs758749326, ClinGen allele CA1395008.
Genomic context (GRCh38, chr1:215,970,695, plus strand): 5'-AGAGCACAACCTTTGGCCGTGCATGCTTGGACTCTGAAGGAATGTAAACTCCAAGGAGCA[A>T]ATCCGTAAGCACGATAGCTGAGTTCTGAGGAATTGTGGATTAATATACCATCTAGATATA-3'
Protein context (NP_996816.3, residues 2286-2306): SSELSYRAYG[Phe2296Tyr]APWSLHSFRV